The following is an entry in ClinVar:

NM_001378414.1(HDAC4):c.1846T>C (p.Ser616Pro)

Gene: HDAC4 (histone deacetylase 4; minus strand). Cytogenetic location: 2q37.3.
Variant type: single nucleotide variant.
Coding change: c.1846T>C on transcript NM_001378414.1 (MANE Select); coding-DNA position 1846, T replaced by C.
Protein change: p.Ser616Pro; replaces serine 616 with proline.
Molecular consequence: missense variant.
Genome position (GRCh38, 1-based): chr2:239,111,658, A>G on the plus strand (T>C on the coding strand, the complement: HDAC4 is on the minus strand). VCF-style: chr2-239111658-A-G. GRCh37 (hg19) VCF-style: chr2-240033354-A-G.
Other names: c.1846T>C, p.Ser616Pro (NM_001378415.1); c.1831T>C, p.Ser611Pro (NM_001378416.1, NM_001378417.1, NM_006037.4); short protein forms S611P, S616P.
Identifiers: ClinVar variation 1706873 (VCV001706873.2), dbSNP rs2152799686, ClinGen allele CA351268399.

ClinVar aggregate classification (germline): Uncertain significance (1 of 4 stars; one submission).

Submission:

GeneDx
Classification: Uncertain significance. Last evaluated: 2022-03-22. Review status: criteria provided, single submitter. Criteria: GeneDx Variant Classification Process June 2021. Collection method: clinical testing. Allele origin: germline. Affected: yes.
Comment: Not observed at significant frequency in large population cohorts (gnomAD); In silico analysis supports that this missense variant does not alter protein structure/function; Has not been previously published as pathogenic or benign to our knowledge